The following is an entry in ClinVar:

ClinVar aggregate classification (germline): Uncertain significance (1 of 4 stars; one submission).

Conditions:
CHARGE syndrome (CHARGE). Also called: Coloboma, heart anomaly, choanal atresia, retardation, genital and ear anomalies; CHARGE association; Hall-Hittner syndrome; Hittner Hirsch Kreh syndrome; CHARGE ASSOCIATION--COLOBOMA, HEART ANOMALY, CHOANAL ATRESIA, RETARDATION, GENITAL AND EAR ANOMALIES. Identifiers: Orphanet 138, MedGen C0265354, MONDO:0008965.

gnomAD v4.1: 1 of 1,613,442 alleles (0.000062%); highest among the groups gnomAD compares: South Asian, 0.0011%; no homozygotes.

Submission:

Labcorp Genetics (formerly Invitae), Labcorp
Classification: Uncertain significance for CHARGE syndrome. Last evaluated: 2018-09-19. Review status: criteria provided, single submitter. Criteria: Invitae Variant Classification Sherloc (09022015). Collection method: clinical testing. Allele origin: germline.
Comment: In summary, the available evidence is currently insufficient to determine the role of this variant in disease. Therefore, it has been classified as a Variant of Uncertain Significance. Algorithms developed to predict the effect of missense changes on protein structure and function (SIFT, PolyPhen-2, Align-GVGD) all suggest that this variant is likely to be tolerated, but these predictions have not been confirmed by published functional studies and their clinical significance is uncertain. This variant has not been reported in the literature in individuals with SEMA3E-related disease. This variant is not present in population databases (ExAC no frequency). This sequence change replaces arginine with threonine at codon 239 of the SEMA3E protein (p.Arg239Thr). The arginine residue is moderately conserved and there is a moderate physicochemical difference between arginine and threonine.

NM_012431.3(SEMA3E):c.716G>C (p.Arg239Thr)

Gene: SEMA3E (semaphorin 3E; minus strand). Cytogenetic location: 7q21.11.
Variant type: single nucleotide variant.
Coding change: c.716G>C on transcript NM_012431.3 (MANE Select); coding-DNA position 716, G replaced by C.
Protein change: p.Arg239Thr; replaces arginine 239 with threonine.
Molecular consequence: missense variant.
Genome position (GRCh38, 1-based): chr7:83,407,194, C>G on the plus strand (G>C on the coding strand, the complement: SEMA3E is on the minus strand). VCF-style: chr7-83407194-C-G. GRCh37 (hg19) VCF-style: chr7-83036510-C-G.
Other names: c.536G>C, p.Arg179Thr (NM_001178129.2); short protein forms R239T, R179T.
Identifiers: ClinVar variation 664144 (VCV000664144.8), dbSNP rs1295531534, ClinGen allele CA367930363.